The following is an entry in ClinVar:

NM_006231.4(POLE):c.2830G>T (p.Ala944Ser)

Gene: POLE (DNA polymerase epsilon, catalytic subunit; minus strand). Cytogenetic location: 12q24.33.
Variant type: single nucleotide variant.
Coding change: c.2830G>T on transcript NM_006231.4 (MANE Select); coding-DNA position 2830, G replaced by T.
Protein change: p.Ala944Ser; replaces alanine 944 with serine.
Molecular consequence: missense variant.
Genome position (GRCh38, 1-based): chr12:132,661,561, C>A on the plus strand (G>T on the coding strand, the complement: POLE is on the minus strand). VCF-style: chr12-132661561-C-A. GRCh37 (hg19) VCF-style: chr12-133238147-C-A.
Other names: c.2830G>T (NM_006231.2); short protein forms A944S.
Identifiers: ClinVar variation 660481 (VCV000660481.9), dbSNP rs1190451103, ClinGen allele CA387393650.

ClinVar aggregate classification (germline): Uncertain significance. Review status: criteria provided, multiple submitters, no conflicts (2 of 4 stars). 2 submissions from 2 submitters: Uncertain significance (2). Last evaluated 2024-03-06.

Conditions:
Hereditary cancer-predisposing syndrome. Also called: Hereditary neoplastic syndrome; Neoplastic Syndromes, Hereditary; Hereditary Cancer Syndrome; Tumor predisposition. Identifiers: Orphanet 140162, MedGen C0027672, MeSH D009386, MONDO:0015356.

Submissions (2):

Ambry Genetics
Classification: Uncertain significance for Hereditary cancer-predisposing syndrome. Last evaluated: 2024-03-06. Review status: criteria provided, single submitter. Criteria: Ambry Variant Classification Scheme 2023. Collection method: clinical testing. Allele origin: germline.
Comment: The p.A944S variant (also known as c.2830G>T), located in coding exon 24 of the POLE gene, results from a G to T substitution at nucleotide position 2830. The alanine at codon 944 is replaced by serine, an amino acid with similar properties. This amino acid position is conserved. In addition, this alteration is predicted to be tolerated by in silico analysis. Based on the available evidence, the clinical significance of this alteration remains unclear.

Labcorp Genetics (formerly Invitae), Labcorp
Classification: Uncertain significance. Last evaluated: 2023-01-28. Review status: criteria provided, single submitter. Criteria: Invitae Variant Classification Sherloc (09022015). Collection method: clinical testing. Allele origin: germline.
Comment: Advanced modeling of protein sequence and biophysical properties (such as structural, functional, and spatial information, amino acid conservation, physicochemical variation, residue mobility, and thermodynamic stability) performed at Invitae indicates that this missense variant is not expected to disrupt POLE protein function. This sequence change replaces alanine, which is neutral and non-polar, with serine, which is neutral and polar, at codon 944 of the POLE protein (p.Ala944Ser). This variant is not present in population databases (gnomAD no frequency). This variant has not been reported in the literature in individuals affected with POLE-related conditions. ClinVar contains an entry for this variant (Variation ID: 660481). In summary, the available evidence is currently insufficient to determine the role of this variant in disease. Therefore, it has been classified as a Variant of Uncertain Significance.